The following is an entry in ClinVar:

NM_005026.5(PIK3CD):c.1954C>T (p.Arg652Cys)

Gene: PIK3CD (phosphatidylinositol-4,5-bisphosphate 3-kinase catalytic subunit delta; plus strand). Cytogenetic location: 1p36.22.
Variant type: single nucleotide variant.
Coding change: c.1954C>T on transcript NM_005026.5 (MANE Select); coding-DNA position 1954, C replaced by T.
Protein change: p.Arg652Cys; replaces arginine 652 with cysteine.
Molecular consequence: missense variant.
Genome position (GRCh38, 1-based): chr1:9,721,586, C>T. VCF-style: chr1-9721586-C-T. GRCh37 (hg19) VCF-style: chr1-9781644-C-T.
Other names: p.Arg652Cys; c.1951C>T, p.Arg651Cys (NM_001350234.2); c.1867C>T, p.Arg623Cys (NM_001350235.1); short protein forms R651C, R623C, R652C.
Identifiers: ClinVar variation 1919493 (VCV001919493.6), dbSNP rs765392990, ClinGen allele CA577367.

ClinVar aggregate classification (germline): Uncertain significance. Review status: criteria provided, multiple submitters, no conflicts (2 of 4 stars). 2 submissions from 2 submitters: Uncertain significance (2). Last evaluated 2025-07-23.

Conditions:
Immunodeficiency 14 (IMD14A). Also called: Activated PI3K Delta Syndrome Type 1 (APDS1); p110-DELTA-ACTIVATING MUTATION CAUSING SENESCENT T CELLS, LYMPHADENOPATHY, AND IMMUNODEFICIENCY; IMMUNODEFICIENCY 14A WITH LYMPHOPROLIFERATION, AUTOSOMAL DOMINANT; ACTIVATED PI3K-DELTA SYNDROME 1. Identifiers: Orphanet 397596, Orphanet 693661, MedGen C5907821, MONDO:0014222, OMIM 615513.

Allele frequency attached by ClinVar (database versions not stated): TOPMed below 0.00001; ExAC 0.00001.
gnomAD v4.1: 11 of 1,612,840 alleles (0.00068%); highest among the groups gnomAD compares: Admixed American, 0.0017%; no homozygotes.

Submissions (2):

Mayo Clinic Laboratories, Mayo Clinic
Classification: Uncertain significance. Last evaluated: 2025-07-23. Review status: criteria provided, single submitter. Criteria: ACMG Guidelines, 2015. Collection method: clinical testing. Allele origin: germline. Observed: 1 variant allele.
Comment: PM2_supporting

Labcorp Genetics (formerly Invitae), Labcorp
Classification: Uncertain significance for Activated PI3K-delta syndrome. Last evaluated: 2022-09-21. Review status: criteria provided, single submitter. Criteria: Invitae Variant Classification Sherloc (09022015). Collection method: clinical testing. Allele origin: germline.
Comment: In summary, the available evidence is currently insufficient to determine the role of this variant in disease. Therefore, it has been classified as a Variant of Uncertain Significance. Algorithms developed to predict the effect of missense changes on protein structure and function are either unavailable or do not agree on the potential impact of this missense change (SIFT: "Deleterious"; PolyPhen-2: "Benign"; Align-GVGD: "Class C15"). This variant has not been reported in the literature in individuals affected with PIK3CD-related conditions. This variant is present in population databases (rs765392990, gnomAD 0.003%). This sequence change replaces arginine, which is basic and polar, with cysteine, which is neutral and slightly polar, at codon 652 of the PIK3CD protein (p.Arg652Cys).